The following is an entry in ClinVar:

ClinVar aggregate classification (germline): Uncertain significance (1 of 4 stars; one submission).

Allele frequency attached by ClinVar (database versions not stated): gnomAD exomes below 0.00001; gnomAD 0.00001.
gnomAD v4.1: 2 of 1,614,014 alleles (0.00012%); highest among the groups gnomAD compares: Admixed American, 0.0017%; no homozygotes.

Submission:

Labcorp Genetics (formerly Invitae), Labcorp
Classification: Uncertain significance. Last evaluated: 2022-08-31. Review status: criteria provided, single submitter. Criteria: Invitae Variant Classification Sherloc (09022015). Collection method: clinical testing. Allele origin: germline.
Comment: ClinVar contains an entry for this variant (Variation ID: 1358245). This variant has not been reported in the literature in individuals affected with ROR2-related conditions. This variant is not present in population databases (gnomAD no frequency). This sequence change replaces alanine, which is neutral and non-polar, with threonine, which is neutral and polar, at codon 208 of the ROR2 protein (p.Ala208Thr). This variant also falls at the last nucleotide of exon 5, which is part of the consensus splice site for this exon. Algorithms developed to predict the effect of missense changes on protein structure and function (SIFT, PolyPhen-2, Align-GVGD) all suggest that this variant is likely to be disruptive. In summary, the available evidence is currently insufficient to determine the role of this variant in disease. Therefore, it has been classified as a Variant of Uncertain Significance. Variants that disrupt the consensus splice site are a relatively common cause of aberrant splicing (PMID: 17576681, 9536098). Algorithms developed to predict the effect of sequence changes on RNA splicing suggest that this variant may disrupt the consensus splice site.

Literature cited by the submitters: PubMed 17576681; PubMed 9536098.

NM_004560.4(ROR2):c.622G>A (p.Ala208Thr)

Gene: ROR2 (receptor tyrosine kinase like orphan receptor 2; minus strand). Cytogenetic location: 9q22.31.
Variant type: single nucleotide variant.
Coding change: c.622G>A on transcript NM_004560.4 (MANE Select); coding-DNA position 622, G replaced by A.
Protein change: p.Ala208Thr; replaces alanine 208 with threonine.
Molecular consequence: missense variant.
Genome position (GRCh38, 1-based): chr9:91,737,391, C>T on the plus strand (G>A on the coding strand, the complement: ROR2 is on the minus strand). VCF-style: chr9-91737391-C-T. GRCh37 (hg19) VCF-style: chr9-94499673-C-T.
Other names: c.622G>A, p.Ala208Thr (NM_001318204.2); short protein forms A208T.
Identifiers: ClinVar variation 1358245 (VCV001358245.8), dbSNP rs1825065690, ClinGen allele CA373801764.